The following is an entry in ClinVar:

ClinVar aggregate classification (germline): Uncertain significance. Review status: criteria provided, multiple submitters, no conflicts (2 of 4 stars). 3 submissions from 3 submitters: Uncertain significance (3). Last evaluated 2025-05-08.

Conditions:
RYR1-related disorder. Also called: RYR1-related condition; RYR1-related disorders. Identifiers: MedGen CN239331.
Malignant hyperthermia, susceptibility to, 1 (MHS1). Also called: Anesthesia related hyperthermia; Malignant hyperpyrexia; Fulminating hyperpyrexia; Pharmacogenic myopathy; RYR1-Related Malignant Hyperthermia Susceptibility; Malignant hyperthermia suceptibility 1. Identifiers: Orphanet 423, MedGen C2930980, MONDO:0007783, OMIM 145600.

Allele frequency attached by ClinVar (database versions not stated): TOPMed 0.00001.

Submissions (3):

GeneDx
Classification: Uncertain significance. Last evaluated: 2025-05-08. Review status: criteria provided, single submitter. Criteria: GeneDx Variant Classification Process June 2021. Collection method: clinical testing. Allele origin: germline. Affected: yes.
Comment: Not observed at significant frequency in large population cohorts (gnomAD); In silico analysis supports that this missense variant has a deleterious effect on protein structure/function; Has not been previously published as pathogenic or benign to our knowledge

All of Us Research Program, National Institutes of Health
Classification: Uncertain significance for Malignant hyperthermia, susceptibility to, 1. Last evaluated: 2023-08-15. Review status: criteria provided, single submitter. Criteria: ACMG Guidelines, 2015. Collection method: clinical testing. Allele origin: germline. Inheritance: Autosomal dominant inheritance. Observed: 1 variant allele, 1 heterozygote.
Comment: This missense variant replaces threonine with asparagine at codon 1453 of the RYR1 protein. Computational prediction suggests that this variant may have deleterious impact on protein structure and function (internally defined REVEL score threshold >= 0.7, PMID: 27666373). To our knowledge, functional studies have not been reported for this variant. This variant has not been reported in individuals affected with RYR1-related disorders in the literature. This variant has not been identified in the general population by the Genome Aggregation Database (gnomAD). The available evidence is insufficient to determine the role of this variant in disease conclusively. Therefore, this variant is classified as a Variant of Uncertain Significance.

This study involves interpretation of variants in research participants for the purpose of population health screening. Participant phenotype was not available at the time of variant classification. Additional details can be found in publication PMID: 35346344, PMCID: PMC8962531

Labcorp Genetics (formerly Invitae), Labcorp
Classification: Uncertain significance for RYR1-related disorder. Last evaluated: 2021-12-16. Review status: criteria provided, single submitter. Criteria: Invitae Variant Classification Sherloc (09022015). Collection method: clinical testing. Allele origin: germline.
Comment: This sequence change replaces threonine, which is neutral and polar, with asparagine, which is neutral and polar, at codon 1453 of the RYR1 protein (p.Thr1453Asn). This variant is not present in population databases (gnomAD no frequency). This variant has not been reported in the literature in individuals affected with RYR1-related conditions. Advanced modeling of protein sequence and biophysical properties (such as structural, functional, and spatial information, amino acid conservation, physicochemical variation, residue mobility, and thermodynamic stability) performed at Invitae indicates that this missense variant is expected to disrupt RYR1 protein function. In summary, the available evidence is currently insufficient to determine the role of this variant in disease. Therefore, it has been classified as a Variant of Uncertain Significance.

NM_000540.3(RYR1):c.4358C>A (p.Thr1453Asn)

Gene: RYR1 (ryanodine receptor 1; plus strand). Cytogenetic location: 19q13.2.
Variant type: single nucleotide variant.
Coding change: c.4358C>A on transcript NM_000540.3 (MANE Select); coding-DNA position 4358, C replaced by A.
Protein change: p.Thr1453Asn; replaces threonine 1453 with asparagine.
Molecular consequence: missense variant.
Genome position (GRCh38, 1-based): chr19:38,477,774, C>A. VCF-style: chr19-38477774-C-A. GRCh37 (hg19) VCF-style: chr19-38968414-C-A.
Other names: c.4358C>A, p.Thr1453Asn (NM_001042723.2); short protein forms T1453N.
Identifiers: ClinVar variation 2413885 (VCV002413885.5), dbSNP rs1968807596, ClinGen allele CA405645881.